The following is an entry in ClinVar:

ClinVar aggregate classification (germline): Pathogenic. Review status: criteria provided, multiple submitters, no conflicts (2 of 4 stars). 2 submissions from 2 submitters: Pathogenic (2). Last evaluated 2025-03-22.

Conditions:
Hypercholesterolemia, autosomal dominant, type B (FHCL2). Also called: APOB-Related Familial Hypercholesterolemia, Autosomal Dominant; Familial Hypercholesterolemia Type B; APOLIPOPROTEIN B-100, FAMILIAL DEFECTIVE; APOLIPOPROTEIN B-100, FAMILIAL LIGAND-DEFECTIVE; HYPERCHOLESTEROLEMIA, FAMILIAL, DUE TO LIGAND-DEFECTIVE APOLIPOPROTEIN B; Hyperlipoproteinemia Type IIb. Identifiers: MedGen C1704417, MONDO:0007751, OMIM 144010.
Familial hypobetalipoproteinemia 1. Also called: Hypobetalipoproteinemia, normotriglyceridemic; Acanthocytosis with hypobetalipoproteinemia; APOB-Related Familial Hypobetalipoproteinemia. Identifiers: MedGen C4551990, MONDO:0014252, OMIM 615558.
Cardiovascular phenotype. Identifiers: MedGen CN230736.

Submissions (2):

Ambry Genetics
Classification: Pathogenic for Cardiovascular phenotype. Last evaluated: 2025-03-22. Review status: criteria provided, single submitter. Criteria: Ambry Variant Classification Scheme 2023. Collection method: clinical testing. Allele origin: germline.
Comment: The p.Q2455* pathogenic mutation (also known as c.7363C>T), located in coding exon 26 of the APOB gene, results from a C to T substitution at nucleotide position 7363. This changes the amino acid from a glutamine to a stop codon within coding exon 26. This variant is considered to be rare based on population cohorts in the Genome Aggregation Database (gnomAD). This alteration is expected to result in loss of function by premature protein truncation or nonsense-mediated mRNA decay. Although biallelic loss of function of APOB has been associated with autosomal recessive hypobetalipoproteinemia, haploinsufficiency of APOB is not a mechanism of disease for autosomal dominant familial hypercholesterolemia. Based on the supporting evidence, this variant is expected to be causative of autosomal recessive hypobetalipoproteinemia when present along with a second pathogenic variant on the other allele; however, it is unlikely to be causative of autosomal dominant familial hypercholesterolemia.

Labcorp Genetics (formerly Invitae), Labcorp
Classification: Pathogenic for Familial hypobetalipoproteinemia 1; Hypercholesterolemia, autosomal dominant, type B. Last evaluated: 2024-01-04. Review status: criteria provided, single submitter. Criteria: Invitae Variant Classification Sherloc (09022015). Collection method: clinical testing. Allele origin: germline.
Comment: This sequence change creates a premature translational stop signal (p.Gln2455*) in the APOB gene. It is expected to result in an absent or disrupted protein product. Loss-of-function variants in APOB are known to be pathogenic (PMID: 20032471). This variant is not present in population databases (gnomAD no frequency). This variant has not been reported in the literature in individuals affected with APOB-related conditions. For these reasons, this variant has been classified as Pathogenic.

Literature cited by the submitters: PubMed 20032471 (cited by Labcorp Genetics (formerly Invitae), Labcorp).

NM_000384.3(APOB):c.7363C>T (p.Gln2455Ter)

Gene: APOB (apolipoprotein B; minus strand). Cytogenetic location: 2p24.1.
Variant type: single nucleotide variant.
Coding change: c.7363C>T on transcript NM_000384.3 (MANE Select); coding-DNA position 7363, C replaced by T.
Protein change: p.Gln2455Ter; replaces glutamine 2455 with a stop codon.
Molecular consequence: nonsense.
Genome position (GRCh38, 1-based): chr2:21,009,505, G>A on the plus strand (C>T on the coding strand, the complement: APOB is on the minus strand). VCF-style: chr2-21009505-G-A. GRCh37 (hg19) VCF-style: chr2-21232377-G-A.
Other names: c.7363C>T (NM_000384.2); short protein forms Q2455*.
Identifiers: ClinVar variation 2949743 (VCV002949743.4), dbSNP rs1663246215, ClinGen allele CA345997315.